The following is an entry in ClinVar:

NC_000017.10:g.(?_41242725)_(41243458_?)del

Gene: BRCA1 (BRCA1 DNA repair associated; minus strand). Cytogenetic location: 17q21.31.
Variant type: Deletion.
Identifiers: ClinVar variation 3243017 (VCV003243017.1).

ClinVar aggregate classification (germline): Pathogenic (1 of 4 stars; one submission).

Conditions:
Hereditary breast ovarian cancer syndrome. Also called: Hereditary breast and ovarian cancer syndrome; Hereditary breast and ovarian cancer; Hereditary breast and ovarian cancer syndrome (HBOC); Breast and ovarian cancer; Hereditary breast and/or ovarian cancer syndrome; BRCA1- and BRCA2-Associated Hereditary Breast and Ovarian Cancer. Identifiers: Orphanet 145, MedGen C0677776, MeSH D061325, MONDO:0003582. Disease mechanism: loss of function.

Submission:

Labcorp Genetics (formerly Invitae), Labcorp
Classification: Pathogenic for Hereditary breast ovarian cancer syndrome. Last evaluated: 2020-09-10. Review status: criteria provided, single submitter. Criteria: Invitae Variant Classification Sherloc (09022015). Collection method: clinical testing. Allele origin: unknown.
Comment: For these reasons, this variant has been classified as Pathogenic. Loss-of-function variants in BRCA1 are known to be pathogenic (PMID: 20104584). This variant results in the deletion of exon 11 and part of exon 10 (c.4090_4185+236del) of the BRCA1 gene. It is expected to disrupt RNA splicing and likely results in an absent or disrupted protein product. A similar deletion involving exon 11 and part of exon 10, known as exons 11 and 12 in the literature, have been observed in individuals with breast cancer (PMID: 18703817, Invitae).

Literature cited by the submitters: PubMed 20104584; PubMed 18703817.